The following is an entry in ClinVar:

NM_021098.3(CACNA1H):c.5477A>G (p.Lys1826Arg)

Gene: CACNA1H (calcium voltage-gated channel subunit alpha1 H; plus strand). Cytogenetic location: 16p13.3.
Variant type: single nucleotide variant.
Coding change: c.5477A>G on transcript NM_021098.3 (MANE Select); coding-DNA position 5477, A replaced by G.
Protein change: p.Lys1826Arg; replaces lysine 1826 with arginine.
Molecular consequence: missense variant.
Genome position (GRCh38, 1-based): chr16:1,218,241, A>G. VCF-style: chr16-1218241-A-G. GRCh37 (hg19) VCF-style: chr16-1268241-A-G.
Other names: c.5459A>G, p.Lys1820Arg (NM_001005407.2); short protein forms K1820R, K1826R.
Identifiers: ClinVar variation 3363794 (VCV003363794.1).

ClinVar aggregate classification (germline): Uncertain significance (1 of 4 stars; one submission).

Submission:

GeneDx
Classification: Uncertain significance. Last evaluated: 2023-11-02. Review status: criteria provided, single submitter. Criteria: GeneDx Variant Classification Process June 2021. Collection method: clinical testing. Allele origin: germline. Affected: yes.
Comment: Not observed at significant frequency in large population cohorts (gnomAD); In silico analysis supports that this missense variant does not alter protein structure/function; Has not been previously published as pathogenic or benign to our knowledge